The following is an entry in ClinVar:

ClinVar aggregate classification (germline): Likely benign. Review status: criteria provided, multiple submitters, no conflicts (2 of 4 stars). 3 submissions from 3 submitters: Likely benign (3). Last evaluated 2025-10-01.

Conditions:
Telangiectasia, hereditary hemorrhagic, type 2 (HHT2). Also called: Telangiectasia, hereditary hemorrhagic, type II; ACVRL1-Related Hereditary Hemorrhagic Telangiectasia. Identifiers: Orphanet 774, MedGen C1838163, MONDO:0010880, OMIM 600376. Disease mechanism: loss of function.

Allele frequency attached by ClinVar (database versions not stated): gnomAD exomes below 0.00001 and 0.00001; ExAC 0.00001; gnomAD 0.00003 and 0.00004; TOPMed 0.00009; 1000 Genomes Project 30x 0.00031; 1000 Genomes Project 0.00040.
gnomAD v4.1: 11 of 1,614,200 alleles (0.00068%); highest among the groups gnomAD compares: Admixed American, 0.018%; no homozygotes.

Submissions (3):

CeGaT Center for Human Genetics Tuebingen
Classification: Likely benign. Last evaluated: 2025-10-01. Review status: criteria provided, single submitter. Criteria: CeGaT Center For Human Genetics Tuebingen Variant Classification Criteria Version 2. Collection method: clinical testing. Allele origin: germline. Affected: yes. Observed: 1 variant allele.
Comment: ACVRL1: PM2:Supporting, BP4, BP7

Labcorp Genetics (formerly Invitae), Labcorp
Classification: Likely benign for Telangiectasia, hereditary hemorrhagic, type 2. Last evaluated: 2025-07-01. Review status: criteria provided, single submitter. Criteria: Invitae Variant Classification Sherloc (09022015). Collection method: clinical testing. Allele origin: germline.

Blueprint Genetics
Classification: Likely benign. Last evaluated: 2024-03-11. Review status: criteria provided, single submitter. Criteria: ACMG Guidelines, 2015. Collection method: clinical testing. Allele origin: germline.

NM_000020.3(ACVRL1):c.858C>T (p.Tyr286=)

Gene: ACVRL1 (activin A receptor like type 1; plus strand). Cytogenetic location: 12q13.13.
Variant type: single nucleotide variant.
Coding change: c.858C>T on transcript NM_000020.3 (MANE Select); coding-DNA position 858, C replaced by T.
Protein change: p.Tyr286=; no amino-acid change (tyrosine 286 retained).
Molecular consequence: synonymous variant.
Genome position (GRCh38, 1-based): chr12:51,915,310, C>T. VCF-style: chr12-51915310-C-T. GRCh37 (hg19) VCF-style: chr12-52309094-C-T.
Other names: c.858C>T, p.Tyr286= (NM_001077401.2).
Identifiers: ClinVar variation 700862 (VCV000700862.18), dbSNP rs542810348, ClinGen allele CA6573009.